The following is an entry in ClinVar:

ClinVar aggregate classification (germline): Uncertain significance. Review status: criteria provided, multiple submitters, no conflicts (2 of 4 stars). 2 submissions from 2 submitters: Uncertain significance (2). Last evaluated 2023-04-23.

Conditions:
Hereditary cancer-predisposing syndrome. Also called: Neoplastic Syndromes, Hereditary; Hereditary Cancer Syndrome; Tumor predisposition; Hereditary neoplastic syndrome. Identifiers: Orphanet 140162, MedGen C0027672, MeSH D009386, MONDO:0015356.
Neuroblastoma, susceptibility to, 3. Also called: ALK-Related Neuroblastic Tumor Susceptibility. Identifiers: Orphanet 635, MedGen C2751681, MONDO:0013083, OMIM 613014.

Allele frequency attached by ClinVar (database versions not stated): gnomAD exomes 0.00001.
gnomAD v4.1: 3 of 1,614,188 alleles (0.00019%); highest among the groups gnomAD compares: South Asian, 0.0033%; no homozygotes.

Submissions (2):

Ambry Genetics
Classification: Uncertain significance for Hereditary cancer-predisposing syndrome. Last evaluated: 2023-04-23. Review status: criteria provided, single submitter. Criteria: Ambry Variant Classification Scheme 2023. Collection method: clinical testing. Allele origin: germline.
Comment: The p.T447K variant (also known as c.1340C>A), located in coding exon 6 of the ALK gene, results from a C to A substitution at nucleotide position 1340. The threonine at codon 447 is replaced by lysine, an amino acid with similar properties. This amino acid position is conserved. In addition, this alteration is predicted to be deleterious by in silico analysis. Since supporting evidence is limited at this time, the clinical significance of this alteration remains unclear.

Labcorp Genetics (formerly Invitae), Labcorp
Classification: Uncertain significance for Neuroblastoma, susceptibility to, 3. Last evaluated: 2022-12-06. Review status: criteria provided, single submitter. Criteria: Invitae Variant Classification Sherloc (09022015). Collection method: clinical testing. Allele origin: germline.
Comment: In summary, the available evidence is currently insufficient to determine the role of this variant in disease. Therefore, it has been classified as a Variant of Uncertain Significance. Algorithms developed to predict the effect of missense changes on protein structure and function are either unavailable or do not agree on the potential impact of this missense change (SIFT: "Deleterious"; PolyPhen-2: "Possibly Damaging"; Align-GVGD: "Class C0"). This variant has not been reported in the literature in individuals affected with ALK-related conditions. This variant is not present in population databases (gnomAD no frequency). This sequence change replaces threonine, which is neutral and polar, with lysine, which is basic and polar, at codon 447 of the ALK protein (p.Thr447Lys).

NM_004304.5(ALK):c.1340C>A (p.Thr447Lys)

Gene: ALK (ALK receptor tyrosine kinase; minus strand). Cytogenetic location: 2p23.2.
Variant type: single nucleotide variant.
Coding change: c.1340C>A on transcript NM_004304.5 (MANE Select); coding-DNA position 1340, C replaced by A.
Protein change: p.Thr447Lys; replaces threonine 447 with lysine.
Molecular consequence: missense variant.
Genome position (GRCh38, 1-based): chr2:29,328,424, G>T on the plus strand (C>A on the coding strand, the complement: ALK is on the minus strand). VCF-style: chr2-29328424-G-T. GRCh37 (hg19) VCF-style: chr2-29551290-G-T.
Other names: short protein forms T447K.
Identifiers: ClinVar variation 2566585 (VCV002566585.5), dbSNP rs2465459531, ClinGen allele CA346474347.